The following is an entry in ClinVar:

ClinVar aggregate classification (germline): Likely pathogenic (1 of 4 stars; one submission).

Allele frequency attached by ClinVar (database versions not stated): gnomAD 0.00001.
gnomAD v4.1: 8 of 1,613,668 alleles (0.0005%); highest among the groups gnomAD compares: South Asian, 0.0055%; no homozygotes.

Submission:

Labcorp Genetics (formerly Invitae), Labcorp
Classification: Likely pathogenic. Last evaluated: 2022-04-08. Review status: criteria provided, single submitter. Criteria: Invitae Variant Classification Sherloc (09022015). Collection method: clinical testing. Allele origin: germline.
Comment: Disruption of this splice site has been observed in individual(s) with complement deficiencies (PMID: 31440263). This variant is present in population databases (no rsID available, gnomAD 0.0009%). This sequence change affects a donor splice site in intron 4 of the C2 gene. It is expected to disrupt RNA splicing. Variants that disrupt the donor or acceptor splice site typically lead to a loss of protein function (PMID: 16199547), and loss-of-function variants in C2 are known to be pathogenic (PMID: 1577763, 9616367). Algorithms developed to predict the effect of sequence changes on RNA splicing suggest that this variant may disrupt the consensus splice site. In summary, the currently available evidence indicates that the variant is pathogenic, but additional data are needed to prove that conclusively. Therefore, this variant has been classified as Likely Pathogenic.

Literature cited by the submitters: PubMed 31440263; PubMed 16199547; PubMed 1577763; PubMed 9616367.

NM_000063.6(C2):c.616+1G>A

Gene: C2 (complement C2; plus strand). Cytogenetic location: 6p21.33.
Variant type: single nucleotide variant.
Coding change: c.616+1G>A on transcript NM_000063.6 (MANE Select); the canonical splice donor site of the intron after coding-DNA position 616, G replaced by A.
Molecular consequence: splice donor variant.
Genome position (GRCh38, 1-based): chr6:31,933,784, G>A. VCF-style: chr6-31933784-G-A. GRCh37 (hg19) VCF-style: chr6-31901561-G-A.
Other names: c.111+1G>A (NM_001282457.2); c.247+1G>A (NM_001178063.3); c.529+1G>A (NM_001282458.2); c.220+1G>A (NM_001145903.3); c.616+1G>A (NM_001282459.2).
Identifiers: ClinVar variation 1916286 (VCV001916286.5), dbSNP rs945580226, ClinGen allele CA363496869.
Genomic context (GRCh38, chr6:31,933,784, plus strand): 5'-CTTCGGAGCGGGAGTGCCAGGGCAACGGGGTCTGGAGTGGAACGGAGCCCATCTGCCGCC[G>A]TGAGTAGCTGCCCTGCCCTCCTGAGATTCCTCGGCACACCCGGCCACTGCCCCGGCTGAC-3'